The following is an entry in ClinVar:

ClinVar aggregate classification (germline): Likely benign. Review status: criteria provided, multiple submitters, no conflicts (2 of 4 stars). 3 submissions from 3 submitters: Likely benign (3). Last evaluated 2026-03-11.

Conditions:
BDP1-related disorder. Also called: BDP1-related condition.

Allele frequency attached by ClinVar (database versions not stated): gnomAD exomes 0.00014 and 0.00005; 1000 Genomes Project 0.00020; 1000 Genomes Project 30x 0.00062; gnomAD 0.00005 and 0.00007; TOPMed 0.00008; ExAC 0.00014.
gnomAD v4.1: 73 of 1,537,468 alleles (0.0047%); highest among the groups gnomAD compares: East Asian, 0.13%; no homozygotes.

Submissions (3):

PreventionGenetics, part of Exact Sciences
Classification: Likely benign for BDP1-related condition. Last evaluated: 2026-03-11. Review status: criteria provided, single submitter. Criteria: ACMG Guidelines, 2015. Collection method: clinical testing. Allele origin: germline.
Comment: This variant is classified as likely benign based on ACMG/AMP sequence variant interpretation guidelines (Richards et al. 2015 PMID: 25741868, with internal and published modifications).

Blueprint Genetics
Classification: Likely benign. Last evaluated: 2024-04-23. Review status: criteria provided, single submitter. Criteria: ACMG Guidelines, 2015. Collection method: clinical testing. Allele origin: germline.

GeneDx
Classification: Likely benign. Last evaluated: 2021-06-28. Review status: criteria provided, single submitter. Criteria: GeneDx Variant Classification Process June 2021. Collection method: clinical testing. Allele origin: germline. Affected: yes.

NM_018429.3(BDP1):c.4238T>C (p.Ile1413Thr)

Gene: BDP1 (BDP1 general transcription factor IIIB subunit; plus strand). Cytogenetic location: 5q13.2.
Variant type: single nucleotide variant.
Coding change: c.4238T>C on transcript NM_018429.3 (MANE Select); coding-DNA position 4238, T replaced by C.
Protein change: p.Ile1413Thr; replaces isoleucine 1413 with threonine.
Molecular consequence: missense variant.
Genome position (GRCh38, 1-based): chr5:71,512,419, T>C. VCF-style: chr5-71512419-T-C. GRCh37 (hg19) VCF-style: chr5-70808246-T-C.
Other names: short protein forms I1413T.
Identifiers: ClinVar variation 1316372 (VCV001316372.4), dbSNP rs200925109, ClinGen allele CA3296646.